The following is an entry in ClinVar:

NM_033026.6(PCLO):c.6752C>G (p.Ala2251Gly)

Gene: PCLO (piccolo presynaptic cytomatrix protein; minus strand). Cytogenetic location: 7q21.11.
Variant type: single nucleotide variant.
Coding change: c.6752C>G on transcript NM_033026.6 (MANE Select); coding-DNA position 6752, C replaced by G.
Protein change: p.Ala2251Gly; replaces alanine 2251 with glycine.
Molecular consequence: missense variant.
Genome position (GRCh38, 1-based): chr7:82,954,201, G>C on the plus strand (C>G on the coding strand, the complement: PCLO is on the minus strand). VCF-style: chr7-82954201-G-C. GRCh37 (hg19) VCF-style: chr7-82583517-G-C.
Other names: c.6752C>G, p.Ala2251Gly (NM_014510.3); short protein forms A2251G.
Identifiers: ClinVar variation 1430582 (VCV001430582.7), dbSNP rs371916901, ClinGen allele CA367918423.

ClinVar aggregate classification (germline): Uncertain significance (1 of 4 stars; one submission).

gnomAD v4.1: 2 of 1,613,258 alleles (0.00012%); highest among the groups gnomAD compares: Admixed American, 0.0033%; no homozygotes.

Submission:

Labcorp Genetics (formerly Invitae), Labcorp
Classification: Uncertain significance. Last evaluated: 2021-07-21. Review status: criteria provided, single submitter. Criteria: Invitae Variant Classification Sherloc (09022015). Collection method: clinical testing. Allele origin: germline.
Comment: This variant has not been reported in the literature in individuals with PCLO-related conditions. In summary, the available evidence is currently insufficient to determine the role of this variant in disease. Therefore, it has been classified as a Variant of Uncertain Significance. Algorithms developed to predict the effect of missense changes on protein structure and function output the following: SIFT: "Tolerated"; PolyPhen-2: "Not Available"; Align-GVGD: "Class C0". The glycine amino acid residue is found in multiple mammalian species, suggesting that this missense change does not adversely affect protein function. These predictions have not been confirmed by published functional studies and their clinical significance is uncertain. This variant is not present in population databases (ExAC no frequency). This sequence change replaces alanine with glycine at codon 2251 of the PCLO protein (p.Ala2251Gly). The alanine residue is weakly conserved and there is a small physicochemical difference between alanine and glycine.